The following is an entry in ClinVar:

ClinVar aggregate classification (germline): Uncertain significance (1 of 4 stars; one submission).

Conditions:
Cardiovascular phenotype. Identifiers: MedGen CN230736.

Submission:

Ambry Genetics
Classification: Uncertain significance for Cardiovascular phenotype. Last evaluated: 2021-10-19. Review status: criteria provided, single submitter. Criteria: Ambry Variant Classification Scheme 2023. Collection method: clinical testing. Allele origin: germline.
Comment: The p.V2281M variant (also known as c.6841G>A), located in coding exon 45 of the RYR2 gene, results from a G to A substitution at nucleotide position 6841. The valine at codon 2281 is replaced by methionine, an amino acid with highly similar properties. This amino acid position is not well conserved in available vertebrate species. In addition, the in silico prediction for this alteration is inconclusive. Since supporting evidence is limited at this time, the clinical significance of this alteration remains unclear.

NM_001035.3(RYR2):c.6841G>A (p.Val2281Met)

Gene: RYR2 (ryanodine receptor 2; plus strand). Cytogenetic location: 1q43.
Variant type: single nucleotide variant.
Coding change: c.6841G>A on transcript NM_001035.3 (MANE Select); coding-DNA position 6841, G replaced by A.
Protein change: p.Val2281Met; replaces valine 2281 with methionine.
Molecular consequence: missense variant.
Genome position (GRCh38, 1-based): chr1:237,638,405, G>A. VCF-style: chr1-237638405-G-A. GRCh37 (hg19) VCF-style: chr1-237801705-G-A.
Other names: short protein forms V2281M.
Identifiers: ClinVar variation 1755739 (VCV001755739.2), dbSNP rs2546959051, ClinGen allele CA345395519.
Genomic context (GRCh38, chr1:237,638,405, plus strand): 5'-TGTTGTTTGCAGGTAGTTCGTTATTTGGCTGGTTGTGGACTGCAAAGTTGCCAGATGCTG[G>A]TGTCTAAGGGCTATCCAGACATTGGGTGGAACCCAGTTGAAGGAGAGAGATATCTTGACT-3'
Protein context (NP_001026.2, residues 2271-2291): GCGLQSCQML[Val2281Met]SKGYPDIGWN